The following is an entry in ClinVar:

ClinVar aggregate classification (germline): Likely benign (1 of 4 stars; one submission).

Allele frequency attached by ClinVar (database versions not stated): gnomAD exomes 0.00001; ExAC 0.00001; gnomAD 0.00001; TOPMed 0.00001.
gnomAD v4.1: 3 of 1,612,270 alleles (0.00019%); highest among the groups gnomAD compares: African/African-American, 0.0027%; no homozygotes.

Submission:

GeneDx
Classification: Likely benign. Last evaluated: 2018-05-02. Review status: criteria provided, single submitter. Criteria: GeneDx Variant Classification (06012015). Collection method: clinical testing. Allele origin: germline. Affected: yes.
Comment: This variant is considered likely benign or benign based on one or more of the following criteria: it is a conservative change, it occurs at a poorly conserved position in the protein, it is predicted to be benign by multiple in silico algorithms, and/or has population frequency not consistent with disease.

NM_001267550.2(TTN):c.46035C>T (p.Asn15345=)

Gene: TTN (titin; minus strand). Cytogenetic location: 2q31.2.
Variant type: single nucleotide variant.
Coding change: c.46035C>T on transcript NM_001267550.2 (MANE Select); coding-DNA position 46035, C replaced by T.
Protein change: p.Asn15345=; no amino-acid change (asparagine 15345 retained).
Molecular consequence: synonymous variant.
Genome position (GRCh38, 1-based): chr2:178,620,486, G>A on the plus strand (C>T on the coding strand, the complement: TTN is on the minus strand). VCF-style: chr2-178620486-G-A. GRCh37 (hg19) VCF-style: chr2-179485213-G-A.
Other names: c.41112C>T, p.Asn13704= (NM_001256850.1); c.18840C>T, p.Asn6280= (NM_003319.4); c.38331C>T, p.Asn12777= (NM_133378.4); c.19215C>T, p.Asn6405= (NM_133432.3); c.19416C>T, p.Asn6472= (NM_133437.4).
Identifiers: ClinVar variation 668154 (VCV000668154.1), dbSNP rs752382748, ClinGen allele CA1995319.